The following is an entry in ClinVar:

NM_182961.4(SYNE1):c.18114G>A (p.Ala6038=)

Gene: SYNE1 (spectrin repeat containing nuclear envelope protein 1; minus strand). Cytogenetic location: 6q25.2.
Variant type: single nucleotide variant.
Coding change: c.18114G>A on transcript NM_182961.4 (MANE Select); coding-DNA position 18114, G replaced by A.
Protein change: p.Ala6038=; no amino-acid change (alanine 6038 retained).
Molecular consequence: synonymous variant.
Genome position (GRCh38, 1-based): chr6:152,284,071, C>T on the plus strand (G>A on the coding strand, the complement: SYNE1 is on the minus strand). VCF-style: chr6-152284071-C-T. GRCh37 (hg19) VCF-style: chr6-152605206-C-T.
Other names: p.Ala5967=; c.17901G>A, p.Ala5967= (NM_033071.5).
Identifiers: ClinVar variation 290934 (VCV000290934.57), dbSNP rs149923357, ClinGen allele CA4055051.

ClinVar aggregate classification (germline): Benign/Likely benign. Review status: criteria provided, multiple submitters, no conflicts (2 of 4 stars). 5 submissions from 5 submitters: Benign (1); Likely benign (4). Last evaluated 2025-12-23.

Conditions:
Emery-Dreifuss muscular dystrophy 4, autosomal dominant (EDMD4). Also called: EMERY-DREIFUSS MUSCULAR DYSTROPHY 4 WITH VARIABLE FEATURES. Identifiers: Orphanet 261, MedGen C2751807, MONDO:0013071, OMIM 612998.
Autosomal recessive ataxia, Beauce type. Also called: SYNE1 Deficiency; SYNE1-Related Autosomal Recessive Cerebellar Ataxia; ATAXIA, RECESSIVE, OF BEAUCE; Spinocerebellar ataxia, autosomal recessive 8. Identifiers: Orphanet 88644, MedGen C1853116, MONDO:0012549, OMIM 610743.

Allele frequency attached by ClinVar (database versions not stated): gnomAD exomes 0.00013 and 0.00030; ExAC 0.00035; gnomAD 0.00096 and 0.00107; 1000 Genomes Project 0.00100; 1000 Genomes Project 30x 0.00109; TOPMed 0.00122; ESP Exome Variant Server 0.00154.
gnomAD v4.1: 341 of 1,614,212 alleles (0.021%); highest among the groups gnomAD compares: African/African-American, 0.38%; no homozygotes.

Submissions (5):

Labcorp Genetics (formerly Invitae), Labcorp
Classification: Benign for Emery-Dreifuss muscular dystrophy 4, autosomal dominant; Autosomal recessive ataxia, Beauce type. Last evaluated: 2025-12-23. Review status: criteria provided, single submitter. Criteria: Invitae Variant Classification Sherloc (09022015). Collection method: clinical testing. Allele origin: germline.

Mayo Clinic Laboratories, Mayo Clinic
Classification: Likely benign. Last evaluated: 2025-08-07. Review status: criteria provided, single submitter. Criteria: ACMG Guidelines, 2015. Collection method: clinical testing. Allele origin: germline. Observed: 1 variant allele.
Comment: BS1, BP4, BP7

Athena Diagnostics
Classification: Likely benign. Last evaluated: 2021-04-13. Review status: criteria provided, single submitter. Criteria: Athena Diagnostics criteria. Collection method: clinical testing. Allele origin: unknown.

CeGaT Center for Human Genetics Tuebingen
Classification: Likely benign. Last evaluated: 2020-07-01. Review status: criteria provided, single submitter. Criteria: CeGaT Center For Human Genetics Tuebingen Variant Classification Criteria Version 2. Collection method: clinical testing. Allele origin: germline. Affected: yes. Observed: 1 variant allele.

Eurofins Ntd Llc (ga)
Classification: Likely benign. Last evaluated: 2016-08-26. Review status: criteria provided, single submitter. Criteria: EGL Classification Definitions 2015. Collection method: clinical testing. Allele origin: germline. Observed: 2 variant alleles, 2 heterozygotes.